The following is an entry in ClinVar:

NM_025179.4(PLXNA2):c.2052C>G (p.Asp684Glu)

Gene: PLXNA2 (plexin A2; minus strand). Cytogenetic location: 1q32.2.
Variant type: single nucleotide variant.
Coding change: c.2052C>G on transcript NM_025179.4 (MANE Select); coding-DNA position 2052, C replaced by G.
Protein change: p.Asp684Glu; replaces aspartic acid 684 with glutamic acid.
Molecular consequence: missense variant.
Genome position (GRCh38, 1-based): chr1:208,092,831, G>C on the plus strand (C>G on the coding strand, the complement: PLXNA2 is on the minus strand). VCF-style: chr1-208092831-G-C. GRCh37 (hg19) VCF-style: chr1-208266176-G-C.
Other names: short protein forms D684E.
Identifiers: ClinVar variation 3344246 (VCV003344246.1).
Genomic context (GRCh38, chr1:208,092,831, plus strand): 5'-GTAAGCCCTTCTTACCTCTGAAATATTGATCCGGCCCTCCTGGAAGGAGCAGGTGGTGGG[G>C]TCATGAGTGCAGAGGTTGCGGTACTTGCACCAATGGCAGCGGAAGGCGCTGTTGACACAG-3'
Protein context (NP_079455.3, residues 674-694): WCKYRNLCTH[Asp684Glu]PTTCSFQEGR

ClinVar aggregate classification (germline): Uncertain significance (0 of 4 stars; one submission).

Conditions:
PLXNA2-related disorder. Also called: PLXNA2-related condition.

Submission:

PreventionGenetics, part of Exact Sciences
Classification: Uncertain significance for PLXNA2-related condition. Last evaluated: 2024-07-05. Review status: no assertion criteria provided. Collection method: clinical testing. Allele origin: germline.
Comment: The PLXNA2 c.2052C>G variant is predicted to result in the amino acid substitution p.Asp684Glu. To our knowledge, this variant has not been reported in the literature or in a large population database, indicating this variant is rare. At this time, the clinical significance of this variant is uncertain due to the absence of conclusive functional and genetic evidence.